The following is an entry in ClinVar:

NM_022089.4(ATP13A2):c.1790C>G (p.Thr597Ser)

Gene: ATP13A2 (ATPase cation transporting 13A2; minus strand). Cytogenetic location: 1p36.13.
Variant type: single nucleotide variant.
Coding change: c.1790C>G on transcript NM_022089.4 (MANE Select); coding-DNA position 1790, C replaced by G.
Protein change: p.Thr597Ser; replaces threonine 597 with serine.
Molecular consequence: missense variant.
Genome position (GRCh38, 1-based): chr1:16,992,541, G>C on the plus strand (C>G on the coding strand, the complement: ATP13A2 is on the minus strand). VCF-style: chr1-16992541-G-C. GRCh37 (hg19) VCF-style: chr1-17319036-G-C.
Other names: p.Thr597Ser; c.1775C>G, p.Thr592Ser (NM_001141973.3, NM_001141974.3); short protein forms T592S, T597S.
Identifiers: ClinVar variation 4540816 (VCV004540816.1).
Genomic context (GRCh38, chr1:16,992,541, plus strand): 5'-CTCACCATTGCCTGCAGCTGGGGCTCCCAAAGTGGGGGTCTCATCACTGCCAAGACCTGG[G>C]TCCCAAATGCTGAGTCTGCAGCCGGCTCTTCCTCCAGGACCTGGCAGGCAGGCAGGGAAG-3'
Protein context (NP_071372.1, residues 587-607): EEPAADSAFG[Thr597Ser]QVLAVMRPPL

ClinVar aggregate classification (germline): Uncertain significance (1 of 4 stars; one submission).

Submission:

Mayo Clinic Laboratories, Mayo Clinic
Classification: Uncertain significance. Last evaluated: 2025-08-27. Review status: criteria provided, single submitter. Criteria: ACMG Guidelines, 2015. Collection method: clinical testing. Allele origin: germline. Observed: 1 variant allele.
Comment: BP4, PM2_supporting